The following is an entry in ClinVar:

NM_025179.4(PLXNA2):c.2739-10T>G

Gene: PLXNA2 (plexin A2; minus strand). Cytogenetic location: 1q32.2.
Variant type: single nucleotide variant.
Coding change: c.2739-10T>G on transcript NM_025179.4 (MANE Select); 10 bases into the intron before coding-DNA position 2739, T replaced by G.
Molecular consequence: intron variant.
Genome position (GRCh38, 1-based): chr1:208,054,548, A>C on the plus strand (T>G on the coding strand, the complement: PLXNA2 is on the minus strand). VCF-style: chr1-208054548-A-C. GRCh37 (hg19) VCF-style: chr1-208227893-A-C.
Identifiers: ClinVar variation 4987397 (VCV004987397.1).
Genomic context (GRCh38, chr1:208,054,548, plus strand): 5'-ACTGGCCCGGAGGTGGTTCCCACGAGGGCATGGCCCATCTCACAGACAATCCTGGGGAGA[A>C]AGCAAACCTTCTGGTGAGGGACTGGGCAAGGGCTGGCATCGCTGTTCACTTGCTCTCCCA-3'

ClinVar aggregate classification (germline): Likely benign (1 of 4 stars; one submission).

Conditions:
PLXNA2-related disorder. Also called: PLXNA2-related condition.

gnomAD v4.1: 9 of 1,600,404 alleles (0.00056%); highest among the groups gnomAD compares: Non-Finnish European, 0.00077%; no homozygotes.

Submission:

PreventionGenetics, part of Exact Sciences
Classification: Likely benign for PLXNA2-related condition. Last evaluated: 2025-07-14. Review status: criteria provided, single submitter. Criteria: ACMG Guidelines, 2015. Collection method: clinical testing. Allele origin: germline.
Comment: This variant is classified as likely benign based on ACMG/AMP sequence variant interpretation guidelines (Richards et al. 2015 PMID: 25741868, with internal and published modifications).